The following is an entry in ClinVar:

ClinVar aggregate classification (germline): Uncertain significance. Review status: criteria provided, single submitter (1 of 4 stars). 2 submissions from 2 submitters: Uncertain significance (1). 1 of the submissions does not count toward it. Last evaluated 2023-03-01.

Conditions:
Familial hypocalciuric hypercalcemia (FHH). Also called: Familial benign hypercalcemia. Identifiers: Orphanet 405, MedGen C1809471, MONDO:0018458.
Autosomal dominant hypocalcemia 1 (HYPOC1). Also called: HYPOCALCEMIA, FAMILIAL. Identifiers: MedGen C3715128, MONDO:0011013, OMIM 601198.
CASR-related disorder. Also called: CASR-related condition.

Submissions (2):

Labcorp Genetics (formerly Invitae), Labcorp
Classification: Uncertain significance for Familial hypocalciuric hypercalcemia; Autosomal dominant hypocalcemia 1. Last evaluated: 2023-03-01. Review status: criteria provided, single submitter. Criteria: Invitae Variant Classification Sherloc (09022015). Collection method: clinical testing. Allele origin: germline.
Comment: This sequence change replaces isoleucine, which is neutral and non-polar, with asparagine, which is neutral and polar, at codon 761 of the CASR protein (p.Ile761Asn). This variant is not present in population databases (gnomAD no frequency). This missense change has been observed in individuals with clinical features of hypocalciuric hypercalcemia (PMID: 24947037, 35242665; Invitae). An algorithm developed to predict the effect of missense changes on protein structure and function (PolyPhen-2) suggests that this variant is likely to be disruptive. In summary, the available evidence is currently insufficient to determine the role of this variant in disease. Therefore, it has been classified as a Variant of Uncertain Significance.

PreventionGenetics, part of Exact Sciences
Classification: Likely pathogenic for CASR-related condition. Last evaluated: 2024-01-26. Review status: no assertion criteria provided. Collection method: clinical testing. Allele origin: germline. Not counted in ClinVar's aggregate classification.
Comment: The CASR c.2312T>A variant is predicted to result in the amino acid substitution p.Ile771Asn. This variant, described as p.Ile761Asn, has been reported in at least two unrelated individuals with features of familial hypocalciuric hypercalcemia (FHH) (Wolf et al. 2014. PubMed ID: 24947037; Bhangu et al. 2022. PubMed ID: 35242665). In addition, an in-frame deletion of the p.Ile771 amino acid has also been reported to occur in a patient with familial hypocalciuric hypercalcemia (Reported as I761del in Cole et al 2009. PubMed ID: 19179454). This variant has not been reported in a large population database, indicating this variant is rare. This variant is interpreted as likely pathogenic.

Literature cited by the submitters: PubMed 24947037 (cited by Labcorp Genetics (formerly Invitae), Labcorp); PubMed 35242665 (cited by Labcorp Genetics (formerly Invitae), Labcorp).

NM_000388.4(CASR):c.2282T>A (p.Ile761Asn)

Gene: CASR (calcium sensing receptor; plus strand). Cytogenetic location: 3q21.1.
Variant type: single nucleotide variant.
Coding change: c.2282T>A on transcript NM_000388.4 (MANE Select); coding-DNA position 2282, T replaced by A.
Protein change: p.Ile761Asn; replaces isoleucine 761 with asparagine.
Molecular consequence: missense variant.
Genome position (GRCh38, 1-based): chr3:122,284,236, T>A. VCF-style: chr3-122284236-T-A. GRCh37 (hg19) VCF-style: chr3-122003083-T-A.
Other names: c.2312T>A (NM_001178065.1); c.2312T>A, p.Ile771Asn (NM_001178065.2); short protein forms I761N, I771N.
Identifiers: ClinVar variation 2925364 (VCV002925364.5), dbSNP rs2473279202, ClinGen allele CA354159303.